The following is an entry in ClinVar:

NM_001754.5(RUNX1):c.351+3A>G

Gene: RUNX1 (RUNX family transcription factor 1; minus strand). Cytogenetic location: 21q22.12.
Variant type: single nucleotide variant.
Coding change: c.351+3A>G on transcript NM_001754.5 (MANE Select); 3 bases into the intron after coding-DNA position 351, A replaced by G.
Molecular consequence: intron variant.
Genome position (GRCh38, 1-based): chr21:34,886,840, T>C on the plus strand (A>G on the coding strand, the complement: RUNX1 is on the minus strand). VCF-style: chr21-34886840-T-C. GRCh37 (hg19) VCF-style: chr21-36259137-T-C.
Other names: c.270+3A>G (NM_001001890.3, NM_001122607.2).
Identifiers: ClinVar variation 2029145 (VCV002029145.5), dbSNP rs2146407639, ClinGen allele CA2580098625.

ClinVar aggregate classification (germline): Uncertain significance. Review status: reviewed by expert panel (3 of 4 stars). 2 submissions from 2 submitters: Uncertain significance (1). 1 of the submissions does not count toward it. Last evaluated 2024-08-01.

Conditions:
Hereditary thrombocytopenia and hematological cancer predisposition syndrome associated with RUNX1. Also called: Familial Platelet Disorder with Propensity to Acute Myelogenous Leukemia; Familial thrombocytopenia with propensity to acute myelogenous leukemia; PLATELET DISORDER, ASPIRIN-LIKE; RUNX1 Familial Platelet Disorder with Associated Myeloid Malignancies. Identifiers: Orphanet 71290, MedGen C1832388, MeSH C563324, MONDO:0100083, OMIM 601399.
Hereditary thrombocytopenia and hematologic cancer predisposition syndrome. Identifiers: Orphanet 71290, MedGen CN281654, MONDO:0011071.

Submissions (2):

ClinGen Myeloid Malignancy Variant Curation Expert Panel
Classification: Uncertain significance for Hereditary thrombocytopenia and hematologic cancer predisposition syndrome. Last evaluated: 2024-08-01. Review status: reviewed by expert panel. Criteria: ClinGen MyeloMalig ACMG Specifications v2. Collection method: curation. Allele origin: germline. Inheritance: Autosomal dominant inheritance.
Comment: NM_001754.5(RUNX1):c.351+3A>G is an intronic variant which is completely absent from all population databases with at least 20x coverage for RUNX1 in gnomAD v2.1.1 and v3.1.2 (PM2_supporting). This intronic variant has a SpliceAI score ≤ 0.20 (0.02) (BP4). In summary, the clinical significance of this variant is uncertain. ACMG/AMP criteria applied, as specified by the Myeloid Malignancy Variant Curation Expert Panel for RUNX1: PM2_supporting, BP4.

Labcorp Genetics (formerly Invitae), Labcorp
Classification: Uncertain significance for Hereditary thrombocytopenia and hematological cancer predisposition syndrome associated with RUNX1. Last evaluated: 2022-09-05. Review status: criteria provided, single submitter. Criteria: Invitae Variant Classification Sherloc (09022015). Collection method: clinical testing. Allele origin: germline. Not counted in ClinVar's aggregate classification.
Comment: This sequence change falls in intron 4 of the RUNX1 gene. It does not directly change the encoded amino acid sequence of the RUNX1 protein. It affects a nucleotide within the consensus splice site. This variant is not present in population databases (gnomAD no frequency). This variant has not been reported in the literature in individuals affected with RUNX1-related conditions. Variants that disrupt the consensus splice site are a relatively common cause of aberrant splicing (PMID: 17576681, 9536098). Algorithms developed to predict the effect of sequence changes on RNA splicing suggest that this variant is not likely to affect RNA splicing. In summary, the available evidence is currently insufficient to determine the role of this variant in disease. Therefore, it has been classified as a Variant of Uncertain Significance.

Literature cited by the submitters: PubMed 17576681 (cited by Labcorp Genetics (formerly Invitae), Labcorp); PubMed 9536098 (cited by Labcorp Genetics (formerly Invitae), Labcorp).